The following is an entry in ClinVar:

ClinVar aggregate classification (germline): Uncertain significance (1 of 4 stars; one submission).

Allele frequency attached by ClinVar (database versions not stated): gnomAD exomes below 0.00001; ExAC 0.00001; TOPMed 0.00002.

Submission:

Labcorp Genetics (formerly Invitae), Labcorp
Classification: Uncertain significance. Last evaluated: 2022-02-05. Review status: criteria provided, single submitter. Criteria: Invitae Variant Classification Sherloc (09022015). Collection method: clinical testing. Allele origin: germline.
Comment: In summary, the available evidence is currently insufficient to determine the role of this variant in disease. Therefore, it has been classified as a Variant of Uncertain Significance. Algorithms developed to predict the effect of missense changes on protein structure and function are either unavailable or do not agree on the potential impact of this missense change (SIFT: "Not Available"; PolyPhen-2: "Probably Damaging"; Align-GVGD: "Not Available"). This variant has not been reported in the literature in individuals affected with CHUK-related conditions. This variant is present in population databases (rs749480637, gnomAD 0.0009%). This sequence change replaces arginine, which is basic and polar, with cysteine, which is neutral and slightly polar, at codon 47 of the CHUK protein (p.Arg47Cys).

NM_001278.5(CHUK):c.139C>T (p.Arg47Cys)

Gene: CHUK (component of inhibitor of nuclear factor kappa B kinase complex; minus strand). Cytogenetic location: 10q24.31.
Variant type: single nucleotide variant.
Coding change: c.139C>T on transcript NM_001278.5 (MANE Select); coding-DNA position 139, C replaced by T.
Protein change: p.Arg47Cys; replaces arginine 47 with cysteine.
Molecular consequence: missense variant.
Genome position (GRCh38, 1-based): chr10:100,225,984, G>A on the plus strand (C>T on the coding strand, the complement: CHUK is on the minus strand). VCF-style: chr10-100225984-G-A. GRCh37 (hg19) VCF-style: chr10-101985741-G-A.
Other names: c.139C>T, p.Arg47Cys (NM_001320928.2); short protein forms R47C.
Identifiers: ClinVar variation 1403161 (VCV001403161.8), dbSNP rs749480637, ClinGen allele CA5646753.
Genomic context (GRCh38, chr10:100,225,984, plus strand): 5'-TCTTCATAATCTGGATTTCATGGCACCATCGTTCTCTGTTTTTGGTACTTAGCTCTAGGC[G>A]ACAAGACTTAATTGCTATTTTGAGATCAAGTTCCTGCCAAAATAGAAAATCAACAGAAAA-3'
Protein context (NP_001269.3, residues 37-57): LDLKIAIKSC[Arg47Cys]LELSTKNRER